The following is an entry in ClinVar:

NM_139276.3(STAT3):c.1430T>C (p.Ile477Thr)

Gene: STAT3 (signal transducer and activator of transcription 3; minus strand). Cytogenetic location: 17q21.2.
Variant type: single nucleotide variant.
Coding change: c.1430T>C on transcript NM_139276.3 (MANE Select); coding-DNA position 1430, T replaced by C.
Protein change: p.Ile477Thr; replaces isoleucine 477 with threonine.
Molecular consequence: missense variant.
Genome position (GRCh38, 1-based): chr17:42,324,997, A>G on the plus strand (T>C on the coding strand, the complement: STAT3 is on the minus strand). VCF-style: chr17-42324997-A-G. GRCh37 (hg19) VCF-style: chr17-40477015-A-G.
Other names: c.1430T>C, p.Ile477Thr (NM_001369512.1, NM_001369513.1, NM_001369514.1 and 11 more transcripts); c.1346T>C, p.Ile449Thr (NM_001384984.1); c.1352T>C, p.Ile451Thr (NM_001384985.1); c.1445T>C, p.Ile482Thr (NM_001384986.1, NM_001384990.1); c.1334T>C, p.Ile445Thr (NM_001384989.1); c.1370T>C, p.Ile457Thr (NM_001384992.1); short protein forms I445T, I449T, I451T, I457T, I477T, I482T.
Identifiers: ClinVar variation 3371738 (VCV003371738.1).

ClinVar aggregate classification (germline): Uncertain significance (1 of 4 stars; one submission).

Submission:

GeneDx
Classification: Uncertain significance. Last evaluated: 2024-04-16. Review status: criteria provided, single submitter. Criteria: GeneDx Variant Classification Process June 2021. Collection method: clinical testing. Allele origin: germline. Affected: yes.
Comment: In silico analysis supports that this missense variant has a deleterious effect on protein structure/function; Not observed at significant frequency in large population cohorts (gnomAD); Has not been previously published as pathogenic or benign to our knowledge; This variant is associated with the following publications: (PMID: 18602572)